The following is an entry in ClinVar:

NM_000143.4(FH):c.816C>T (p.Leu272=)

Gene: FH (fumarate hydratase; minus strand). Cytogenetic location: 1q43.
Variant type: single nucleotide variant.
Coding change: c.816C>T on transcript NM_000143.4 (MANE Select); coding-DNA position 816, C replaced by T.
Protein change: p.Leu272=; no amino-acid change (leucine 272 retained).
Molecular consequence: synonymous variant.
Genome position (GRCh38, 1-based): chr1:241,506,091, G>A on the plus strand (C>T on the coding strand, the complement: FH is on the minus strand). VCF-style: chr1-241506091-G-A. GRCh37 (hg19) VCF-style: chr1-241669391-G-A.
Identifiers: ClinVar variation 515750 (VCV000515750.28), dbSNP rs775368701, ClinGen allele CA1478601.

ClinVar aggregate classification (germline): Benign/Likely benign. Review status: criteria provided, multiple submitters, no conflicts (2 of 4 stars). 7 submissions from 7 submitters: Benign (1); Likely benign (4). 2 of the submissions do not count toward it. Last evaluated 2026-01-18.

Conditions:
Hereditary leiomyomatosis and renal cell cancer. Also called: FH tumor predisposition syndrome; Multiple cutaneous leiomyomas; MULTIPLE CUTANEOUS AND UTERINE LEIOMYOMATA 1, WITH OR WITHOUT RENAL CELL CARCINOMA; Reed syndrome; Multiple cutaneous and uterine leiomyomatosis; Cutaneous leiomyomata with uterine leiomyomata. Identifiers: Orphanet 523, MedGen C1708350, MONDO:0007888, OMIM 150800, HP:0007437. Disease mechanism: loss of function.
Hereditary cancer-predisposing syndrome. Also called: Tumor predisposition; Hereditary neoplastic syndrome; Hereditary Cancer Syndrome; Neoplastic Syndromes, Hereditary. Identifiers: Orphanet 140162, MedGen C0027672, MeSH D009386, MONDO:0015356.

Allele frequency attached by ClinVar (database versions not stated): ExAC 0.00001; gnomAD 0.00001; gnomAD exomes 0.00001 and 0.00002.
gnomAD v4.1: 18 of 1,613,712 alleles (0.0011%); highest among the groups gnomAD compares: East Asian, 0.0022%; no homozygotes.

Submissions (7):

Labcorp Genetics (formerly Invitae), Labcorp
Classification: Likely benign. Last evaluated: 2026-01-18. Review status: criteria provided, single submitter. Criteria: Invitae Variant Classification Sherloc (09022015). Collection method: clinical testing. Allele origin: germline.

Center for Genomic Medicine, Rigshospitalet, Copenhagen University Hospital
Classification: Likely benign. Last evaluated: 2025-03-04. Review status: criteria provided, single submitter. Criteria: ACMG Guidelines, 2015. Collection method: clinical testing. Allele origin: germline.

Myriad Genetics, Inc.
Classification: Benign for Hereditary leiomyomatosis and renal cell cancer. Last evaluated: 2024-10-18. Review status: criteria provided, single submitter. Criteria: Myriad Autosomal Dominant, Autosomal Recessive and X-Linked Classification Criteria (2023). Collection method: clinical testing. Allele origin: unknown.
Comment: This variant is considered benign. This variant is a silent/synonymous amino acid change and it is not expected to impact splicing.

GeneDx
Classification: Likely benign. Last evaluated: 2019-06-14. Review status: criteria provided, single submitter. Criteria: GeneDx Variant Classification Process June 2021. Collection method: clinical testing. Allele origin: germline. Affected: yes.

Ambry Genetics
Classification: Likely benign for Hereditary cancer-predisposing syndrome. Last evaluated: 2019-01-14. Review status: criteria provided, single submitter. Criteria: Ambry Variant Classification Scheme 2023. Collection method: clinical testing. Allele origin: germline.

Clinical Genetics DNA and cytogenetics Diagnostics Lab, Erasmus MC, Erasmus Medical Center
Classification: Likely benign. Review status: no assertion criteria provided. Collection method: clinical testing. Allele origin: germline. Affected: yes. Study: VKGL Data-share Consensus. Not counted in ClinVar's aggregate classification.

Joint Genome Diagnostic Labs from Nijmegen and Maastricht, Radboudumc and MUMC+
Classification: Likely benign. Review status: no assertion criteria provided. Collection method: clinical testing. Allele origin: germline. Affected: yes. Study: VKGL Data-share Consensus. Not counted in ClinVar's aggregate classification.